The following is an entry in ClinVar:

ClinVar aggregate classification (germline): Uncertain significance. Review status: criteria provided, multiple submitters, no conflicts (2 of 4 stars). 3 submissions from 3 submitters: Uncertain significance (3). Last evaluated 2024-11-11.

Conditions:
Primary ciliary dyskinesia. Also called: Ciliary dyskinesia. Identifiers: Orphanet 244, MedGen C0008780, MONDO:0016575, HP:0012265.
Primary ciliary dyskinesia 14. Also called: CILIARY DYSKINESIA, PRIMARY, 14, WITH OR WITHOUT SITUS INVERSUS. Identifiers: Orphanet 244, MedGen C3151136, MONDO:0013434, OMIM 613807.

Allele frequency attached by ClinVar (database versions not stated): gnomAD 0.00011 and 0.00010; ESP Exome Variant Server 0.00025; TOPMed 0.00009; gnomAD exomes 0.00011 and 0.00010; ExAC 0.00012.
gnomAD v4.1: 157 of 1,612,878 alleles (0.0097%); highest among the groups gnomAD compares: Middle Eastern, 0.016%; no homozygotes.

Submissions (3):

Labcorp Genetics (formerly Invitae), Labcorp
Classification: Uncertain significance for Primary ciliary dyskinesia. Last evaluated: 2024-11-11. Review status: criteria provided, single submitter. Criteria: Invitae Variant Classification Sherloc (09022015). Collection method: clinical testing. Allele origin: germline.
Comment: This sequence change replaces arginine, which is basic and polar, with histidine, which is basic and polar, at codon 214 of the CCDC39 protein (p.Arg214His). This variant is present in population databases (rs368553676, gnomAD 0.02%). This variant has not been reported in the literature in individuals affected with CCDC39-related conditions. ClinVar contains an entry for this variant (Variation ID: 96556). An algorithm developed to predict the effect of missense changes on protein structure and function (PolyPhen-2) suggests that this variant is likely to be disruptive. In summary, the available evidence is currently insufficient to determine the role of this variant in disease. Therefore, it has been classified as a Variant of Uncertain Significance.

Baylor Genetics
Classification: Uncertain significance for Primary ciliary dyskinesia 14. Last evaluated: 2023-07-25. Review status: criteria provided, single submitter. Criteria: ACMG Guidelines, 2015. Collection method: clinical testing. Allele origin: unknown.

Eurofins Ntd Llc (ga)
Classification: Uncertain significance. Last evaluated: 2013-03-06. Review status: criteria provided, single submitter. Criteria: EGL Classification Definitions 2015. Collection method: clinical testing. Allele origin: germline. Observed: 1 variant allele, 1 heterozygote.

NM_181426.2(CCDC39):c.641G>A (p.Arg214His)

Gene: CCDC39 (coiled-coil domain 39 molecular ruler complex subunit; minus strand). Cytogenetic location: 3q26.33.
Variant type: single nucleotide variant.
Coding change: c.641G>A on transcript NM_181426.2 (MANE Select); coding-DNA position 641, G replaced by A.
Protein change: p.Arg214His; replaces arginine 214 with histidine.
Molecular consequence: missense variant.
Genome position (GRCh38, 1-based): chr3:180,659,549, C>T on the plus strand (G>A on the coding strand, the complement: CCDC39 is on the minus strand). VCF-style: chr3-180659549-C-T. GRCh37 (hg19) VCF-style: chr3-180377337-C-T.
Other names: short protein forms R214H.
Identifiers: ClinVar variation 96556 (VCV000096556.12), dbSNP rs368553676, ClinGen allele CA224228.